The following is an entry in ClinVar:

NM_145239.3(PRRT2):c.125C>T (p.Pro42Leu)

Genes: MVP-DT (MVP divergent transcript; minus strand), PRRT2 (proline rich transmembrane protein 2; plus strand). Cytogenetic location: 16p11.2.
Variant type: single nucleotide variant.
Coding change: c.125C>T on transcript NM_145239.3 (MANE Select); coding-DNA position 125, C replaced by T.
Protein change: p.Pro42Leu; replaces proline 42 with leucine.
Molecular consequence: missense variant.
Genome position (GRCh38, 1-based): chr16:29,813,179, C>T. VCF-style: chr16-29813179-C-T. GRCh37 (hg19) VCF-style: chr16-29824500-C-T.
Other names: c.125C>T, p.Pro42Leu (NM_001256442.2, NM_001256443.2); short protein forms P42L.
Identifiers: ClinVar variation 633492 (VCV000633492.6), dbSNP rs1166053009, ClinGen allele CA395477376.

ClinVar aggregate classification (germline): Uncertain significance. Review status: criteria provided, multiple submitters, no conflicts (2 of 4 stars). 3 submissions from 3 submitters: Uncertain significance (2). 1 of the submissions does not count toward it. Last evaluated 2025-07-14.

Conditions:
Inborn genetic diseases. Identifiers: MedGen C0950123, MeSH D030342.
Seizure. Also called: Seizures. Identifiers: MedGen C0036572, HP:0001250.
Episodic kinesigenic dyskinesia (EKD). Also called: Paroxysmal kinesigenic dyskinesia. Identifiers: Orphanet 98809, MedGen C1868682, MONDO:0044202.

Allele frequency attached by ClinVar (database versions not stated): gnomAD exomes below 0.00001 and 0.00001; gnomAD 0.00001.

Submissions (3):

Labcorp Genetics (formerly Invitae), Labcorp
Classification: Uncertain significance for Episodic kinesigenic dyskinesia. Last evaluated: 2025-07-14. Review status: criteria provided, single submitter. Criteria: Invitae Variant Classification Sherloc (09022015). Collection method: clinical testing. Allele origin: germline.
Comment: This sequence change replaces proline, which is neutral and non-polar, with leucine, which is neutral and non-polar, at codon 42 of the PRRT2 protein (p.Pro42Leu). This variant is present in population databases (no rsID available, gnomAD 0.003%). This variant has not been reported in the literature in individuals affected with PRRT2-related conditions. ClinVar contains an entry for this variant (Variation ID: 633492). Invitae Evidence Modeling of protein sequence and biophysical properties (such as structural, functional, and spatial information, amino acid conservation, physicochemical variation, residue mobility, and thermodynamic stability) indicates that this missense variant is not expected to disrupt PRRT2 protein function with a negative predictive value of 95%. In summary, the available evidence is currently insufficient to determine the role of this variant in disease. Therefore, it has been classified as a Variant of Uncertain Significance.

Ambry Genetics
Classification: Uncertain significance for Inborn genetic diseases. Last evaluated: 2023-11-09. Review status: criteria provided, single submitter. Criteria: Ambry Variant Classification Scheme 2023. Collection method: clinical testing. Allele origin: germline.

Clinical Molecular Genetics Laboratory, Johns Hopkins All Children's Hospital
Classification: Uncertain significance for Seizures. Last evaluated: 2017-09-01. Review status: no assertion criteria provided. Collection method: clinical testing. Allele origin: germline. Affected: yes. Not counted in ClinVar's aggregate classification.